The following is an entry in ClinVar:

ClinVar aggregate classification (germline): Uncertain significance (1 of 4 stars; one submission).

Submission:

Labcorp Genetics (formerly Invitae), Labcorp
Classification: Uncertain significance. Last evaluated: 2023-04-07. Review status: criteria provided, single submitter. Criteria: Invitae Variant Classification Sherloc (09022015). Collection method: clinical testing. Allele origin: germline.
Comment: This variant has not been reported in the literature in individuals affected with VCAN-related conditions. This sequence change replaces valine, which is neutral and non-polar, with alanine, which is neutral and non-polar, at codon 2363 of the VCAN protein (p.Val2363Ala). This variant is not present in population databases (gnomAD no frequency). An algorithm developed to predict the effect of missense changes on protein structure and function (PolyPhen-2) suggests that this variant is likely to be tolerated. In summary, the available evidence is currently insufficient to determine the role of this variant in disease. Therefore, it has been classified as a Variant of Uncertain Significance.

NM_004385.5(VCAN):c.7088T>C (p.Val2363Ala)

Genes: VCAN (versican; plus strand), VCAN-AS1 (VCAN antisense RNA 1; minus strand). Cytogenetic location: 5q14.3.
Variant type: single nucleotide variant.
Coding change: c.7088T>C on transcript NM_004385.5 (MANE Select); coding-DNA position 7088, T replaced by C.
Protein change: p.Val2363Ala; replaces valine 2363 with alanine.
Molecular consequence: missense variant. On other transcripts: intron variant (2).
Genome position (GRCh38, 1-based): chr5:83,540,091, T>C. VCF-style: chr5-83540091-T-C. GRCh37 (hg19) VCF-style: chr5-82835910-T-C.
Other names: c.4127T>C, p.Val1376Ala (NM_001164097.2); c.4004-5446T>C (NM_001164098.2); c.1043-5446T>C (NM_001126336.3); short protein forms V1376A, V2363A.
Identifiers: ClinVar variation 2853357 (VCV002853357.3), dbSNP rs2479116680, ClinGen allele CA360313982.
Genomic context (GRCh38, chr5:83,540,091, plus strand): 5'-GACCCACGGTGGCACCTCTCCCTTTCTCCACGGACATCGGACATCCTCAAAATCAGACTG[T>C]CAGGTGGGCAGAAGAAATCCAGACTAGTAGACCACAAACCATAACTGAACAAGACTCTAA-3'
Protein context (NP_004376.2, residues 2353-2373): TDIGHPQNQT[Val2363Ala]RWAEEIQTSR